The following is an entry in ClinVar:

ClinVar aggregate classification (germline): Likely pathogenic. Review status: criteria provided, multiple submitters, no conflicts (2 of 4 stars). 2 submissions from 2 submitters: Likely pathogenic (2). Last evaluated 2025-09-05.

Conditions:
Hereditary cancer-predisposing syndrome. Also called: Neoplastic Syndromes, Hereditary; Hereditary Cancer Syndrome; Tumor predisposition; Hereditary neoplastic syndrome. Identifiers: Orphanet 140162, MedGen C0027672, MeSH D009386, MONDO:0015356.
Cardiovascular phenotype. Identifiers: MedGen CN230736.

Submissions (2):

Ambry Genetics
Classification: Likely pathogenic for Cardiovascular phenotype; Hereditary cancer-predisposing syndrome. Last evaluated: 2025-09-05. Review status: criteria provided, single submitter. Criteria: Ambry Variant Classification Scheme 2023. Collection method: clinical testing. Allele origin: germline.
Comment: The c.1615+2T>A intronic variant results from a T to A substitution two nucleotides after coding exon 14 in the LZTR1 gene. This nucleotide position is highly conserved in available vertebrate species. In silico splice site analysis predicts that this alteration will weaken the native splice donor site. This variant is considered to be rare based on population cohorts in the Genome Aggregation Database (gnomAD). Alterations that disrupt the canonical splice site are expected to cause aberrant splicing, resulting in an abnormal protein or a transcript that is subject to nonsense-mediated mRNA decay. Loss-of-function variants in LZTR1 are related to an increased risk for schwannomas and autosomal recessive Noonan syndrome; however, such associations with autosomal dominant Noonan syndrome have not been observed (Piotrowski A et al. Nat Genet. 2014 Feb;46:182-7; Yamamoto GL et al. J Med Genet. 2015 Jun;52:413-21; Johnston JJ et al. Genet Med. 2018 10;20:1175-1185). Based on the supporting evidence, this variant is likely pathogenic for an increased risk of LZTR1-related schwannomatosis (SWN) and would be expected to cause autosomal recessive Noonan syndrome when present along with a second pathogenic or likely pathogenic variant on the other allele; however, the association of this alteration with autosomal dominant Noonan syndrome is unlikely.

Labcorp Genetics (formerly Invitae), Labcorp
Classification: Likely pathogenic. Last evaluated: 2023-09-08. Review status: criteria provided, single submitter. Criteria: Invitae Variant Classification Sherloc (09022015). Collection method: clinical testing. Allele origin: germline.
Comment: In summary, the currently available evidence indicates that the variant is pathogenic, but additional data are needed to prove that conclusively. Therefore, this variant has been classified as Likely Pathogenic. Algorithms developed to predict the effect of sequence changes on RNA splicing suggest that this variant may disrupt the consensus splice site. ClinVar contains an entry for this variant (Variation ID: 1525784). This variant has not been reported in the literature in individuals affected with LZTR1-related conditions. This variant is not present in population databases (gnomAD no frequency). This sequence change affects a donor splice site in intron 14 of the LZTR1 gene. It is expected to disrupt RNA splicing. Variants that disrupt the donor or acceptor splice site typically lead to a loss of protein function (PMID: 16199547), and loss-of-function variants in LZTR1 are known to be pathogenic (PMID: 24362817, 25335493, 25480913, 25795793, 29469822, 30368668, 30442762, 30442766, 30481304, 30859559).

Literature cited by the submitters: PubMed 16199547 (cited by Labcorp Genetics (formerly Invitae), Labcorp); PubMed 24362817 (cited by Labcorp Genetics (formerly Invitae), Labcorp); PubMed 25335493 (cited by Labcorp Genetics (formerly Invitae), Labcorp); PubMed 25480913 (cited by Labcorp Genetics (formerly Invitae), Labcorp); PubMed 25795793 (cited by Labcorp Genetics (formerly Invitae), Labcorp); PubMed 29469822 (cited by Labcorp Genetics (formerly Invitae), Labcorp); PubMed 30368668 (cited by Labcorp Genetics (formerly Invitae), Labcorp); PubMed 30442762 (cited by Labcorp Genetics (formerly Invitae), Labcorp); PubMed 30442766 (cited by Labcorp Genetics (formerly Invitae), Labcorp); PubMed 30481304 (cited by Labcorp Genetics (formerly Invitae), Labcorp); PubMed 30859559 (cited by Labcorp Genetics (formerly Invitae), Labcorp).

NM_006767.4(LZTR1):c.1615+2T>A

Gene: LZTR1 (leucine zipper like post translational regulator 1; plus strand). Cytogenetic location: 22q11.21.
Variant type: single nucleotide variant.
Coding change: c.1615+2T>A on transcript NM_006767.4 (MANE Select); the canonical splice donor site of the intron after coding-DNA position 1615, T replaced by A.
Molecular consequence: splice donor variant.
Genome position (GRCh38, 1-based): chr22:20,994,271, T>A. VCF-style: chr22-20994271-T-A. GRCh37 (hg19) VCF-style: chr22-21348560-T-A.
Other names: c.1615+2T>A (NM_006767.3).
Identifiers: ClinVar variation 1525784 (VCV001525784.6), dbSNP rs1180748005, ClinGen allele CA410776309.